The following is an entry in ClinVar:

ClinVar aggregate classification (germline): Conflicting classifications of pathogenicity. Review status: criteria provided, conflicting classifications (1 of 4 stars). 2 submissions from 2 submitters: Uncertain significance (1); Likely benign (1). Last evaluated 2026-01-31.

Conditions:
POLD1-related polyposis and colorectal cancer syndrome (CRCS10). Also called: Colorectal cancer, susceptibility to, 10; Colorectal cancer 10; COLORECTAL CANCER, SUSCEPTIBILITY TO, ON CHROMOSOME 19q. Identifiers: Orphanet 220460, MedGen C2675481, MONDO:0012953, OMIM 612591.

Allele frequency attached by ClinVar (database versions not stated): gnomAD exomes below 0.00001 and 0.00001; gnomAD 0.00001; TOPMed 0.00001; ExAC 0.00003.
gnomAD v4.1: 4 of 1,590,804 alleles (0.00025%); highest among the groups gnomAD compares: East Asian, 0.0069%; no homozygotes.

Submissions (2):

Labcorp Genetics (formerly Invitae), Labcorp
Classification: Likely benign for POLD1-related polyposis and colorectal cancer syndrome. Last evaluated: 2026-01-31. Review status: criteria provided, single submitter. Criteria: Invitae Variant Classification Sherloc (09022015). Collection method: clinical testing. Allele origin: germline.

GeneDx
Classification: Uncertain significance. Last evaluated: 2019-11-25. Review status: criteria provided, single submitter. Criteria: GeneDx Variant Classification Process June 2021. Collection method: clinical testing. Allele origin: germline. Affected: yes.
Comment: Has not been previously published as pathogenic or benign to our knowledge; In-silico analysis, which includes splice predictors and evolutionary conservation, is inconclusive as to whether the variant alters gene splicing. In the absence of RNA/functional studies, the actual effect of this sequence change is unknown.

NM_002691.4(POLD1):c.3121-12T>C

Gene: POLD1 (DNA polymerase delta 1, catalytic subunit; plus strand). Cytogenetic location: 19q13.33.
Variant type: single nucleotide variant.
Coding change: c.3121-12T>C on transcript NM_002691.4 (MANE Select); 12 bases into the intron before coding-DNA position 3121, T replaced by C.
Molecular consequence: intron variant.
Genome position (GRCh38, 1-based): chr19:50,417,160, T>C. VCF-style: chr19-50417160-T-C. GRCh37 (hg19) VCF-style: chr19-50920417-T-C.
Other names: c.3199-12T>C (NM_001308632.1); c.3121-12T>C (NM_001256849.1).
Identifiers: ClinVar variation 1308212 (VCV001308212.9), dbSNP rs765079746, ClinGen allele CA9596767.